The following is an entry in ClinVar:

ClinVar aggregate classification (germline): Likely pathogenic (1 of 4 stars; one submission).

Conditions:
Cornelia de Lange syndrome 1 (CDLS1). Also called: Brachmann de Lange syndrome; NIPBL-Related Cornelia de Lange Syndrome; TYPUS DEGENERATIVUS AMSTELODAMENSIS. Identifiers: Orphanet 199, MedGen C4551851, MONDO:0007387, OMIM 122470.

Submission:

3billion
Classification: Likely pathogenic for Cornelia de Lange syndrome 1. Last evaluated: 2022-01-03. Review status: criteria provided, single submitter. Criteria: ACMG Guidelines, 2015. Collection method: clinical testing. Allele origin: germline. Affected: yes. Observed: 1 heterozygote.
Comment: Frameshift: predicted to result in a loss or disruption of normal protein function through nonsense-mediated decay (NMD) or protein truncation. Multiple pathogenic variants are reported downstream of the variant (PVS1_VS). It is not observed in the gnomAD v2.1.1 dataset (PM2_M). Therefore, this variant is classified as likely pathogenic according to the recommendation of ACMG/AMP guideline.

NM_133433.4(NIPBL):c.654_657del (p.Ile218fs)

Gene: NIPBL (NIPBL cohesin loading factor; plus strand). Cytogenetic location: 5p13.2.
Variant type: Microsatellite.
Coding change: c.654_657del on transcript NM_133433.4 (MANE Select); coding-DNA positions 654 to 657, 4 bases deleted (ACAT; older notation c.654_657delACAT).
Protein change: p.Ile218fs; shifts the reading frame from isoleucine 218.
Molecular consequence: frameshift variant.
Genome position (GRCh38, 1-based): chr5:36,970,919-36,970,922, ACAT deleted; deleting any 4 consecutive bases within chr5:36,970,915-36,970,922 gives the same sequence; the c. name uses the placement nearest the transcript's 3' end. VCF-style (leftmost placement, unchanged base first): chr5-36970914-AACAT-A. GRCh37 (hg19) VCF-style: chr5-36971016-AACAT-A.
Other names: c.654_657del, p.Ile218fs (NM_015384.5); short protein forms I218fs.
Identifiers: ClinVar variation 1333544 (VCV001333544.1), dbSNP rs2149619973, ClinGen allele CA2580613542.
Genomic context (GRCh38, chr5:36,970,914, plus strand): 5'-TTTTTATTCTTATTAATTTCAGCATCGGTATCAAGTCCCATTGTTGCAGGTGGTTTGAGA[AACAT>A]ACATGATAATAAAGTTTCTGGTCCGTTGTCTGGCAATTCAGCTAATCATCATGCTGATAA-3'